The following is an entry in ClinVar:

NM_002439.5(MSH3):c.1464T>G (p.Ile488Met)

Gene: MSH3 (mutS homolog 3; plus strand). Cytogenetic location: 5q14.1.
Variant type: single nucleotide variant.
Coding change: c.1464T>G on transcript NM_002439.5 (MANE Select); coding-DNA position 1464, T replaced by G.
Protein change: p.Ile488Met; replaces isoleucine 488 with methionine.
Molecular consequence: missense variant.
Genome position (GRCh38, 1-based): chr5:80,728,861, T>G. VCF-style: chr5-80728861-T-G. GRCh37 (hg19) VCF-style: chr5-80024680-T-G.
Other names: short protein forms I488M.
Identifiers: ClinVar variation 1035258 (VCV001035258.11), dbSNP rs1743352411, ClinGen allele CA360274162.

ClinVar aggregate classification (germline): Uncertain significance. Review status: criteria provided, multiple submitters, no conflicts (2 of 4 stars). 2 submissions from 2 submitters: Uncertain significance (2). Last evaluated 2023-09-07.

Conditions:
Hereditary cancer-predisposing syndrome. Also called: Hereditary neoplastic syndrome; Neoplastic Syndromes, Hereditary; Tumor predisposition; Hereditary Cancer Syndrome. Identifiers: Orphanet 140162, MedGen C0027672, MeSH D009386, MONDO:0015356.

Allele frequency attached by ClinVar (database versions not stated): gnomAD exomes below 0.00001.
gnomAD v4.1: 1 of 1,585,462 alleles (0.000063%); highest among the groups gnomAD compares: Non-Finnish European, 0.000087%; no homozygotes.

Submissions (2):

Ambry Genetics
Classification: Uncertain significance for Hereditary cancer-predisposing syndrome. Last evaluated: 2023-09-07. Review status: criteria provided, single submitter. Criteria: Ambry Variant Classification Scheme 2023. Collection method: clinical testing. Allele origin: germline.
Comment: The p.I488M variant (also known as c.1464T>G), located in coding exon 10 of the MSH3 gene, results from a T to G substitution at nucleotide position 1464. The isoleucine at codon 488 is replaced by methionine, an amino acid with highly similar properties. This amino acid position is poorly conserved in available vertebrate species. In addition, this alteration is predicted to be tolerated by in silico analysis. Since supporting evidence is limited at this time, the clinical significance of this alteration remains unclear.

Labcorp Genetics (formerly Invitae), Labcorp
Classification: Uncertain significance. Last evaluated: 2023-08-18. Review status: criteria provided, single submitter. Criteria: Invitae Variant Classification Sherloc (09022015). Collection method: clinical testing. Allele origin: germline.
Comment: This variant is not present in population databases (gnomAD no frequency). This sequence change replaces isoleucine, which is neutral and non-polar, with methionine, which is neutral and non-polar, at codon 488 of the MSH3 protein (p.Ile488Met). In summary, the available evidence is currently insufficient to determine the role of this variant in disease. Therefore, it has been classified as a Variant of Uncertain Significance. An algorithm developed to predict the effect of missense changes on protein structure and function (PolyPhen-2) suggests that this variant is likely to be tolerated. ClinVar contains an entry for this variant (Variation ID: 1035258). This variant has not been reported in the literature in individuals affected with MSH3-related conditions.